The following is an entry in ClinVar:

ClinVar aggregate classification (germline): Uncertain significance (1 of 4 stars; one submission).

Allele frequency attached by ClinVar (database versions not stated): gnomAD exomes below 0.00001; ExAC 0.00001; gnomAD 0.00006; TOPMed 0.00006.

Submission:

Labcorp Genetics (formerly Invitae), Labcorp
Classification: Uncertain significance. Last evaluated: 2023-08-06. Review status: criteria provided, single submitter. Criteria: Invitae Variant Classification Sherloc (09022015). Collection method: clinical testing. Allele origin: germline.
Comment: This sequence change falls in intron 2 of the ARHGEF1 gene. It does not directly change the encoded amino acid sequence of the ARHGEF1 protein. This variant is present in population databases (rs782531437, gnomAD 0.01%). This variant has not been reported in the literature in individuals affected with ARHGEF1-related conditions. Algorithms developed to predict the effect of sequence changes on RNA splicing suggest that this variant may create or strengthen a splice site. In summary, the available evidence is currently insufficient to determine the role of this variant in disease. Therefore, it has been classified as a Variant of Uncertain Significance.

NM_004706.4(ARHGEF1):c.24+19G>A

Gene: ARHGEF1 (Rho guanine nucleotide exchange factor 1; plus strand). Cytogenetic location: 19q13.2.
Variant type: single nucleotide variant.
Coding change: c.24+19G>A on transcript NM_004706.4 (MANE Select); 19 bases into the intron after coding-DNA position 24, G replaced by A.
Molecular consequence: intron variant.
Genome position (GRCh38, 1-based): chr19:41,888,125, G>A. VCF-style: chr19-41888125-G-A. GRCh37 (hg19) VCF-style: chr19-42392196-G-A.
Other names: c.24+19G>A (NM_001396003.1, NM_001396002.1, NM_001396000.1 and 3 more transcripts); c.69+19G>A (NM_199002.2).
Identifiers: ClinVar variation 2968494 (VCV002968494.3), dbSNP rs782531437, ClinGen allele CA9465750.
Genomic context (GRCh38, chr19:41,888,125, plus strand): 5'-CCTGCAGAGCCCAGGGAGATGGAAGACTTCGCCCGAGGGGCGGTGAGTGGACAGAGCAAG[G>A]GGTGAGGCGACTCTGGGGCTGTGGGTGGAGAGTCCTGTGGACTGAAGCTGCCCTCCCTTT-3'